The following is an entry in ClinVar:

ClinVar aggregate classification (germline): Conflicting classifications of pathogenicity. Review status: criteria provided, conflicting classifications (1 of 4 stars). 4 submissions from 4 submitters: Uncertain significance (3); Likely benign (1). Last evaluated 2023-12-05.

Conditions:
Hereditary cancer-predisposing syndrome. Also called: Neoplastic Syndromes, Hereditary; Tumor predisposition; Hereditary neoplastic syndrome; Hereditary Cancer Syndrome. Identifiers: Orphanet 140162, MedGen C0027672, MeSH D009386, MONDO:0015356.
Hereditary breast ovarian cancer syndrome. Also called: Hereditary breast and ovarian cancer syndrome; Hereditary breast and ovarian cancer; Hereditary breast and ovarian cancer syndrome (HBOC); Breast and ovarian cancer; Hereditary breast and/or ovarian cancer syndrome; BRCA1- and BRCA2-Associated Hereditary Breast and Ovarian Cancer. Identifiers: Orphanet 145, MedGen C0677776, MeSH D061325, MONDO:0003582. Disease mechanism: loss of function.

Allele frequency attached by ClinVar (database versions not stated): gnomAD exomes below 0.00001.
gnomAD v4.1: 3 of 1,613,912 alleles (0.00019%); highest among the groups gnomAD compares: South Asian, 0.0011%; no homozygotes.

Submissions (4):

Color Diagnostics, LLC DBA Color Health
Classification: Uncertain significance for Hereditary cancer-predisposing syndrome. Last evaluated: 2023-12-05. Review status: criteria provided, single submitter. Criteria: ACMG Guidelines, 2015. Collection method: clinical testing. Allele origin: germline.
Comment: This missense variant replaces methionine with valine at codon 408 of the BRCA2 protein. Computational prediction suggests that this variant may not impact protein structure and function (internally defined REVEL score threshold <= 0.5, PMID: 27666373). To our knowledge, functional studies have not been reported for this variant. This variant has not been reported in individuals affected with BRCA2-related disorders in the literature. This variant has not been identified in the general population by the Genome Aggregation Database (gnomAD). The available evidence is insufficient to determine the role of this variant in disease conclusively. Therefore, this variant is classified as a Variant of Uncertain Significance.

Ambry Genetics
Classification: Uncertain significance for Hereditary cancer-predisposing syndrome. Last evaluated: 2023-07-17. Review status: criteria provided, single submitter. Criteria: Ambry Variant Classification Scheme 2023. Collection method: clinical testing. Allele origin: germline.
Comment: The p.M408V variant (also known as c.1222A>G), located in coding exon 9 of the BRCA2 gene, results from an A to G substitution at nucleotide position 1222. The methionine at codon 408 is replaced by valine, an amino acid with highly similar properties. This amino acid position is conserved. In addition, this alteration is predicted to be tolerated by in silico analysis. Since supporting evidence is limited at this time, the clinical significance of this alteration remains unclear.

University of Washington Department of Laboratory Medicine, University of Washington
Classification: Likely benign for Hereditary cancer-predisposing syndrome. Last evaluated: 2023-03-23. Review status: criteria provided, single submitter. Criteria: Dines et al. (Genet Med. 2020). Collection method: curation. Allele origin: germline.
Comment: Missense variant in a coldspot region where missense variants are very unlikely to be pathogenic (PMID:31911673).

BRCA2 exon 10 coldspot. Reclassification based on statistical prior probability.

Labcorp Genetics (formerly Invitae), Labcorp
Classification: Uncertain significance for Hereditary breast ovarian cancer syndrome. Last evaluated: 2021-10-19. Review status: criteria provided, single submitter. Criteria: Invitae Variant Classification Sherloc (09022015). Collection method: clinical testing. Allele origin: germline.
Comment: This sequence change replaces methionine with valine at codon 408 of the BRCA2 protein (p.Met408Val). The methionine residue is weakly conserved and there is a small physicochemical difference between methionine and valine. This variant is not present in population databases (ExAC no frequency). This variant has not been reported in the literature in individuals affected with BRCA2-related conditions. Algorithms developed to predict the effect of missense changes on protein structure and function output the following: SIFT: "Tolerated"; PolyPhen-2: "Benign"; Align-GVGD: "Class C0". The valine amino acid residue is found in multiple mammalian species, which suggests that this missense change does not adversely affect protein function. ClinVar contains an entry for this variant (Variation ID: 628882). Algorithms developed to predict the effect of sequence changes on RNA splicing suggest that this variant may create or strengthen a splice site. In summary, the available evidence is currently insufficient to determine the role of this variant in disease. Therefore, it has been classified as a Variant of Uncertain Significance.

NM_000059.4(BRCA2):c.1222A>G (p.Met408Val)

Gene: BRCA2 (BRCA2 DNA repair associated; plus strand). Cytogenetic location: 13q13.1.
Variant type: single nucleotide variant.
Coding change: c.1222A>G on transcript NM_000059.4 (MANE Select); coding-DNA position 1222, A replaced by G.
Protein change: p.Met408Val; replaces methionine 408 with valine.
Molecular consequence: missense variant.
Genome position (GRCh38, 1-based): chr13:32,332,700, A>G. VCF-style: chr13-32332700-A-G. GRCh37 (hg19) VCF-style: chr13-32906837-A-G.
Other names: short protein forms M408V.
Identifiers: ClinVar variation 628882 (VCV000628882.16), dbSNP rs1566223036, ClinGen allele CA387762131.